The following is an entry in ClinVar:

ClinVar aggregate classification (germline): Uncertain significance (1 of 4 stars; one submission).

Conditions:
Hereditary factor VIII deficiency disease (HEMA). Also called: AUTOSOMAL HEMOPHILIA A; Hemophilia A; Hemophilia A, congenital; HEM A; Factor 8 deficiency, congenital; HEMOPHILIA, CLASSIC. Identifiers: Orphanet 98878, MedGen C0019069, MONDO:0010602, OMIM 306700.

Submission:

The Central Laboratory of Birth Defects Prevention and Control, The Affiliated Women and Children's Hospital of Ningbo University
Classification: Uncertain significance for Hereditary factor VIII deficiency disease. Last evaluated: 2026-01-20. Review status: criteria provided, single submitter. Criteria: ACMG/ClinGen CNV Guidelines, 2019. Collection method: clinical testing. Allele origin: maternal. Affected: yes.
Comment: This complex variant encompasses the protein coding genes F8A2, F8A3, H2AB2, H2AB3 and TMLHE (1A+3A). The variant does not involve any disease-causing genes with a triplosensitivity effect, and no prior reports of the variant have been documented. Based on the ACMG guidelines [PMID:31690835], the variant was classified as a variant of uncertain clinical significance (VUS). The variant is a complex insertion event with an inverted segment and a duplicated segment. The exact insertion breakpoints could not be precisely determined and were located within the range of chrX:154877228-154889607.

Single allele

Genes: F8 (coagulation factor VIII; minus strand), F8A1 (coagulation factor VIII associated 1; plus strand), H2AB1 (H2A.B variant histone 1; plus strand), MIR1184-1 (microRNA 1184-1; minus strand), LOC106146150 (int22h-1 recombination region; plus strand). Cytogenetic location: Xq28.
Variant type: Complex.
Identifiers: ClinVar variation 4813067 (VCV004813067.1).